The following is an entry in ClinVar:

NM_030665.4(RAI1):c.3940A>G (p.Met1314Val)

Gene: RAI1 (retinoic acid induced 1; plus strand). Cytogenetic location: 17p11.2.
Variant type: single nucleotide variant.
Coding change: c.3940A>G on transcript NM_030665.4 (MANE Select); coding-DNA position 3940, A replaced by G.
Protein change: p.Met1314Val; replaces methionine 1314 with valine.
Molecular consequence: missense variant.
Genome position (GRCh38, 1-based): chr17:17,796,888, A>G. VCF-style: chr17-17796888-A-G. GRCh37 (hg19) VCF-style: chr17-17700202-A-G.
Other names: c.3940A>G (NM_030665.3); short protein forms M1314V.
Identifiers: ClinVar variation 1580992 (VCV001580992.10), dbSNP rs368695841, ClinGen allele CA8418870.

ClinVar aggregate classification (germline): Likely benign. Review status: criteria provided, single submitter (1 of 4 stars). 2 submissions from 2 submitters: Likely benign (1). 1 of the submissions does not count toward it. Last evaluated 2025-02-23.

Conditions:
RAI1-related disorder. Also called: RAI1-related condition.

Allele frequency attached by ClinVar (database versions not stated): gnomAD 0.00003 and 0.00004; gnomAD exomes 0.00004 and 0.00009; TOPMed 0.00004; ExAC 0.00008; ESP Exome Variant Server 0.00008; 1000 Genomes Project 30x 0.00016; 1000 Genomes Project 0.00020.

Submissions (2):

Labcorp Genetics (formerly Invitae), Labcorp
Classification: Likely benign. Last evaluated: 2025-02-23. Review status: criteria provided, single submitter. Criteria: Invitae Variant Classification Sherloc (09022015). Collection method: clinical testing. Allele origin: germline.

PreventionGenetics, part of Exact Sciences
Classification: Likely benign for RAI1-related condition. Last evaluated: 2022-02-04. Review status: no assertion criteria provided. Collection method: clinical testing. Allele origin: germline. Not counted in ClinVar's aggregate classification.
Comment: This variant is classified as likely benign based on ACMG/AMP sequence variant interpretation guidelines (Richards et al. 2015 PMID: 25741868, with internal and published modifications).